The following is an entry in ClinVar:

ClinVar aggregate classification (germline): Conflicting classifications of pathogenicity. Review status: criteria provided, conflicting classifications (1 of 4 stars). 2 submissions from 2 submitters: Uncertain significance (1); Likely benign (1). Last evaluated 2025-11-26.

Allele frequency attached by ClinVar (database versions not stated): gnomAD 0.00005; gnomAD exomes 0.00005; ExAC 0.00008; TOPMed 0.00008; ESP Exome Variant Server 0.00015.
gnomAD v4.1: 89 of 1,573,242 alleles (0.0057%); highest among the groups gnomAD compares: Middle Eastern, 0.28%; 1 homozygote.

Submissions (2):

Ambry Genetics
Classification: Uncertain significance. Last evaluated: 2025-11-26. Review status: criteria provided, single submitter. Criteria: Ambry Variant Classification Scheme 2023. Collection method: clinical testing. Allele origin: germline.

CeGaT Center for Human Genetics Tuebingen
Classification: Likely benign. Last evaluated: 2022-04-01. Review status: criteria provided, single submitter. Criteria: CeGaT Center For Human Genetics Tuebingen Variant Classification Criteria Version 2. Collection method: clinical testing. Allele origin: germline. Affected: yes. Observed: 1 variant allele.
Comment: ZNF277: BP4

NM_021994.3(ZNF277):c.391G>A (p.Glu131Lys)

Gene: ZNF277 (zinc finger protein 277; plus strand). Cytogenetic location: 7q31.1.
Variant type: single nucleotide variant.
Coding change: c.391G>A on transcript NM_021994.3 (MANE Select); coding-DNA position 391, G replaced by A.
Protein change: p.Glu131Lys; replaces glutamic acid 131 with lysine.
Molecular consequence: missense variant.
Genome position (GRCh38, 1-based): chr7:112,296,237, G>A. VCF-style: chr7-112296237-G-A. GRCh37 (hg19) VCF-style: chr7-111936292-G-A.
Other names: c.391G>A (NM_021994.2); short protein forms E131K.
Identifiers: ClinVar variation 2657947 (VCV002657947.24), dbSNP rs147613739, ClinGen allele CA4443100.